The following is an entry in ClinVar:

ClinVar aggregate classification (germline): Likely benign. Review status: criteria provided, multiple submitters, no conflicts (2 of 4 stars). 2 submissions from 2 submitters: Likely benign (2). Last evaluated 2023-11-18.

Conditions:
Neutral lipid storage myopathy (NLSDM). Also called: NEUTRAL LIPID STORAGE DISEASE WITHOUT ICHTHYOSIS. Identifiers: Orphanet 98908, MedGen C1853136, MONDO:0012545, OMIM 610717.

Allele frequency attached by ClinVar (database versions not stated): gnomAD 0.00001.
gnomAD v4.1: 6 of 1,596,270 alleles (0.00038%); highest among the groups gnomAD compares: East Asian, 0.0022%; no homozygotes.

Submissions (2):

Labcorp Genetics (formerly Invitae), Labcorp
Classification: Likely benign for Neutral lipid storage myopathy. Last evaluated: 2023-11-18. Review status: criteria provided, single submitter. Criteria: Invitae Variant Classification Sherloc (09022015). Collection method: clinical testing. Allele origin: germline.

CeGaT Center for Human Genetics Tuebingen
Classification: Likely benign. Last evaluated: 2023-02-01. Review status: criteria provided, single submitter. Criteria: CeGaT Center For Human Genetics Tuebingen Variant Classification Criteria Version 2. Collection method: clinical testing. Allele origin: germline. Affected: yes. Observed: 1 variant allele.
Comment: PNPLA2: BP4, BP7

NM_020376.4(PNPLA2):c.1335C>G (p.Leu445=)

Gene: PNPLA2 (patatin like domain 2, triacylglycerol lipase; plus strand). Cytogenetic location: 11p15.5.
Variant type: single nucleotide variant.
Coding change: c.1335C>G on transcript NM_020376.4 (MANE Select); coding-DNA position 1335, C replaced by G.
Protein change: p.Leu445=; no amino-acid change (leucine 445 retained).
Molecular consequence: synonymous variant.
Genome position (GRCh38, 1-based): chr11:824,682, C>G. VCF-style: chr11-824682-C-G. GRCh37 (hg19) VCF-style: chr11-824682-C-G.
Identifiers: ClinVar variation 2641098 (VCV002641098.27), dbSNP rs770810671, ClinGen allele CA5791374.
Genomic context (GRCh38, chr11:824,682, plus strand): 5'-CAACCTCTCGCTGGGGGACGCGCTGGCCAAGTGGGAGGAGTGCCAGCGCCAGCTGCTGCT[C>G]GGCCTCTTCTGCACCAACGTGGCCTTCCCGCCCGAAGCTCTGCGCATGCGCGCACCCGCC-3'
Protein context (NP_065109.1, residues 435-455): KWEECQRQLL[Leu445=]GLFCTNVAFP